The following is an entry in ClinVar:

ClinVar aggregate classification (germline): Uncertain significance (1 of 4 stars; one submission).

Conditions:
Hereditary cancer-predisposing syndrome. Also called: Neoplastic Syndromes, Hereditary; Tumor predisposition; Hereditary Cancer Syndrome; Hereditary neoplastic syndrome. Identifiers: Orphanet 140162, MedGen C0027672, MeSH D009386, MONDO:0015356.

Submission:

Color Diagnostics, LLC DBA Color Health
Classification: Uncertain significance for Hereditary cancer-predisposing syndrome. Last evaluated: 2019-11-12. Review status: criteria provided, single submitter. Criteria: ACMG Guidelines, 2015. Collection method: clinical testing. Allele origin: germline.
Comment: This missense variant replaces glutamic acid with lysine at codon 31 of the SMAD4 protein. Computational prediction is inconclusive regarding the impact of this variant on protein structure and function (internally defined REVEL score threshold 0.5 < inconclusive < 0.7, PMID: 27666373). Splice site prediction tools suggest that this variant may not impact RNA splicing. To our knowledge, functional studies have not been performed for this variant. This variant has not been reported in individuals affected with hereditary cancer in the literature. This variant has not been identified in the general population by the Genome Aggregation Database (gnomAD). The available evidence is insufficient to determine the role of this variant in disease conclusively. Therefore, this variant is classified as a Variant of Uncertain Significance.

NM_005359.6(SMAD4):c.91G>A (p.Glu31Lys)

Gene: SMAD4 (SMAD family member 4; plus strand). Cytogenetic location: 18q21.2.
Variant type: single nucleotide variant.
Coding change: c.91G>A on transcript NM_005359.6 (MANE Select); coding-DNA position 91, G replaced by A.
Protein change: p.Glu31Lys; replaces glutamic acid 31 with lysine.
Molecular consequence: missense variant.
Genome position (GRCh38, 1-based): chr18:51,047,137, G>A. VCF-style: chr18-51047137-G-A. GRCh37 (hg19) VCF-style: chr18-48573507-G-A.
Other names: short protein forms E31K.
Identifiers: ClinVar variation 924387 (VCV000924387.3), dbSNP rs1909568048, ClinGen allele CA402457586.